The following is an entry in ClinVar:

NM_032383.5(HPS3):c.1150_1153del (p.His384fs)

Gene: HPS3 (HPS3 biogenesis of lysosomal organelles complex 2 subunit 1; plus strand). Cytogenetic location: 3q24.
Variant type: Deletion.
Coding change: c.1150_1153del on transcript NM_032383.5 (MANE Select); coding-DNA positions 1150 to 1153, 4 bases deleted (CACG; older notation c.1150_1153delCACG).
Protein change: p.His384fs; shifts the reading frame from histidine 384.
Molecular consequence: frameshift variant.
Genome position (GRCh38, 1-based): chr3:149,145,533-149,145,536, CACG deleted; deleting any 4 consecutive bases within chr3:149,145,532-149,145,536 gives the same sequence; the c. name uses the placement nearest the transcript's 3' end. VCF-style (leftmost placement, unchanged base first): chr3-149145531-TGCAC-T. GRCh37 (hg19) VCF-style: chr3-148863318-TGCAC-T.
Other names: c.655_658del, p.His219fs (NM_001308258.2); short protein forms H219fs, H384fs.
Identifiers: ClinVar variation 1725198 (VCV001725198.2), dbSNP rs2473082163, ClinGen allele CA2580068936.

ClinVar aggregate classification (germline): Likely pathogenic (1 of 4 stars; one submission).

Conditions:
Hermansky-Pudlak syndrome 3 (HPS3). Identifiers: Orphanet 231512, Orphanet 79430, MedGen C3888001, MONDO:0013555, OMIM 614072.

Submission:

Myriad Genetics, Inc.
Classification: Likely pathogenic for Hermansky-Pudlak syndrome 3. Last evaluated: 2022-03-14. Review status: criteria provided, single submitter. Criteria: Myriad Women's Health Autosomal Recessive and X-Linked Classification Criteria (2021). Collection method: clinical testing. Allele origin: unknown.
Comment: NM_032383.3(HPS3):c.1150_1153delCACG(H384Sfs*30) is expected to be pathogenic in the context of Hermansky-Pudlak syndrome type 3. This variant is predicted to lead to an abnormal or absent protein product due to the creation of a premature termination codon in HPS3, a gene where loss-of-function variants are known to be pathogenic. Please note: this variant was assessed in the context of healthy population screening.